The following is an entry in ClinVar:

NM_025114.4(CEP290):c.2249T>G (p.Leu750Ter)

Gene: CEP290 (centrosomal protein 290; minus strand). Cytogenetic location: 12q21.32.
Variant type: single nucleotide variant.
Coding change: c.2249T>G on transcript NM_025114.4 (MANE Select); coding-DNA position 2249, T replaced by G.
Protein change: p.Leu750Ter; replaces leucine 750 with a stop codon.
Molecular consequence: nonsense.
Genome position (GRCh38, 1-based): chr12:88,111,320, A>C on the plus strand (T>G on the coding strand, the complement: CEP290 is on the minus strand). VCF-style: chr12-88111320-A-C. GRCh37 (hg19) VCF-style: chr12-88505097-A-C.
Other names: c.2249T>G (NM_025114.3); short protein forms L750*.
Identifiers: ClinVar variation 1338 (VCV000001338.11), dbSNP rs137852833, ClinGen allele CA339890.

ClinVar aggregate classification (germline): Pathogenic. Review status: criteria provided, multiple submitters, no conflicts (2 of 4 stars). 5 submissions from 5 submitters: Pathogenic (4). 1 of the submissions does not count toward it. Last evaluated 2025-11-25.

Conditions:
CEP290-related ciliopathy. Also called: CEP290 ciliopathy. Identifiers: MedGen CN305601, MONDO:0100451.
Nephronophthisis. Also called: Juvenile Nephronophthisis. Identifiers: Orphanet 655, MedGen C0687120, MONDO:0019005, HP:0000090.
Joubert syndrome. Also called: Familial aplasia of the vermis; JOUBERT-BOLTSHAUSER SYNDROME. Identifiers: Orphanet 475, MedGen C5979921, MONDO:0018772.
Meckel-Gruber syndrome. Also called: Dysencephalia splachnocystica; DYSENCEPHALIA SPLANCHNOCYSTICA; GRUBER SYNDROME. Identifiers: Orphanet 564, MedGen C0265215, MONDO:0018921.
Leber congenital amaurosis (LCA). Also called: Leber's amaurosis. Identifiers: Orphanet 65, MedGen C0339527, MeSH D057130, MONDO:0018998.
Bardet-Biedl syndrome 14 (BBS14). Identifiers: Orphanet 110, MedGen C2673874, MONDO:0014442, OMIM 615991.
Leber congenital amaurosis 10 (LCA10). Identifiers: Orphanet 65, MedGen C1857821, MONDO:0012723, OMIM 611755.

Allele frequency attached by ClinVar (database versions not stated): gnomAD 0.00001 and 0.00002; gnomAD exomes 0.00001; TOPMed 0.00002.
gnomAD v4.1: 7 of 1,564,726 alleles (0.00045%); highest among the groups gnomAD compares: Non-Finnish European, 0.00061%; no homozygotes.

Submissions (5):

Myriad Genetics, Inc.
Classification: Pathogenic for CEP290-related ciliopathy. Last evaluated: 2025-11-25. Review status: criteria provided, single submitter. Criteria: Myriad Autosomal Dominant, Autosomal Recessive and X-Linked Classification Criteria (2023). Collection method: clinical testing. Allele origin: unknown.
Comment: NM_025114.3(CEP290):c.2249T>G(L750*) is a nonsense variant classified as pathogenic in the context of CEP290-related disorders. L750* has been observed in cases with relevant disease (PMID: 16909394, 17617513). Relevant functional assessments of this variant are not available in the literature. L750* has been observed in referenced population frequency databases. In summary, NM_025114.3(CEP290):c.2249T>G(L750*) is a nonsense variant in a gene where loss of function is a known mechanism of disease, is predicted to disrupt protein function, and has been observed more frequently in cases with the relevant disease than in healthy populations. Please note: this variant was assessed in the context of healthy population screening.

Natera, Inc.
Classification: Pathogenic for Leber congenital amaurosis. Last evaluated: 2025-06-13. Review status: criteria provided, single submitter. Criteria: Natera Variant Classification Schema (03/2026). Collection method: clinical testing. Allele origin: germline.
Comment: The c.2249T>G variant in CEP290 is a nonsense variant predicted to introduce a stop codon at amino acid 750. This variant is expected to result in nonsense mediated decay, truncation, or a dysfunctional protein product. This variant is rare in the general population with a frequency below the threshold expected for the associated phenotype(s). This variant has been observed in one or more individuals affected with the associated recessive disease, as either homozygous or compound heterozygous with a second variant (PMID: 16909394). Given the available evidence, this variant is classified as Pathogenic.

Baylor Genetics
Classification: Pathogenic for Bardet-Biedl syndrome 14. Last evaluated: 2023-12-14. Review status: criteria provided, single submitter. Criteria: ACMG Guidelines, 2015. Collection method: clinical testing. Allele origin: unknown.

Labcorp Genetics (formerly Invitae), Labcorp
Classification: Pathogenic for Joubert syndrome; Meckel-Gruber syndrome; Nephronophthisis. Last evaluated: 2023-11-02. Review status: criteria provided, single submitter. Criteria: Invitae Variant Classification Sherloc (09022015). Collection method: clinical testing. Allele origin: germline.
Comment: This sequence change creates a premature translational stop signal (p.Leu750*) in the CEP290 gene. It is expected to result in an absent or disrupted protein product. Loss-of-function variants in CEP290 are known to be pathogenic (PMID: 16909394, 17345604, 20690115). This variant is present in population databases (rs137852833, gnomAD 0.001%). This premature translational stop signal has been observed in individual(s) with leber congenital amaurosis (PMID: 16909394, 28559085). ClinVar contains an entry for this variant (Variation ID: 1338). For these reasons, this variant has been classified as Pathogenic.

OMIM
Classification: Pathogenic for LEBER CONGENITAL AMAUROSIS 10. Last evaluated: 2006-09-01. Review status: no assertion criteria provided. Collection method: literature only. Allele origin: germline. Not counted in ClinVar's aggregate classification.

Literature cited by the submitters: PubMed 16909394 (cited by 4 submitters); PubMed 17617513 (cited by Myriad Genetics, Inc.); PubMed 17345604 (cited by Labcorp Genetics (formerly Invitae), Labcorp); PubMed 20690115 (cited by Labcorp Genetics (formerly Invitae), Labcorp); PubMed 28559085 (cited by Labcorp Genetics (formerly Invitae), Labcorp).